The following is an entry in ClinVar:

ClinVar aggregate classification (germline): Uncertain significance (1 of 4 stars; one submission).

Conditions:
Familial acute necrotizing encephalopathy (IIAE3). Also called: ENCEPHALOPATHY, ACUTE, INFECTION-INDUCED, SUSCEPTIBILITY TO, 3; Susceptibility to Acute Necrotizing Encephalopathy 1. Identifiers: Orphanet 88619, MedGen C2675556, MONDO:0011953, OMIM 608033.

Allele frequency attached by ClinVar (database versions not stated): TOPMed below 0.00001; gnomAD 0.00001.
gnomAD v4.1: 1 of 1,613,408 alleles (0.000062%); highest among the groups gnomAD compares: Admixed American, 0.0017%; no homozygotes.

Submission:

Labcorp Genetics (formerly Invitae), Labcorp
Classification: Uncertain significance for Encephalopathy, acute, infection-induced, 3, suceptibility to. Last evaluated: 2019-12-16. Review status: criteria provided, single submitter. Criteria: Invitae Variant Classification Sherloc (09022015). Collection method: clinical testing. Allele origin: germline.
Comment: This sequence change replaces asparagine with histidine at codon 2752 of the RANBP2 protein (p.Asp2752His). The asparagine residue is highly conserved and there is a moderate physicochemical difference between asparagine and histidine. This variant is not present in population databases (ExAC no frequency). This variant has not been reported in the literature in individuals with RANBP2-related conditions. Algorithms developed to predict the effect of missense changes on protein structure and function are either unavailable or do not agree on the potential impact of this missense change (SIFT: "Deleterious"; PolyPhen-2: "Not Available"; Align-GVGD: "Class C65"). In summary, the available evidence is currently insufficient to determine the role of this variant in disease. Therefore, it has been classified as a Variant of Uncertain Significance.

NM_006267.5(RANBP2):c.8254G>C (p.Asp2752His)

Gene: RANBP2 (RAN binding protein 2; plus strand). Cytogenetic location: 2q13.
Variant type: single nucleotide variant.
Coding change: c.8254G>C on transcript NM_006267.5 (MANE Select); coding-DNA position 8254, G replaced by C.
Protein change: p.Asp2752His; replaces aspartic acid 2752 with histidine.
Molecular consequence: missense variant.
Genome position (GRCh38, 1-based): chr2:108,773,008, G>C. VCF-style: chr2-108773008-G-C. GRCh37 (hg19) VCF-style: chr2-109389464-G-C.
Other names: short protein forms D2752H.
Identifiers: ClinVar variation 850958 (VCV000850958.1), dbSNP rs1677616367, ClinGen allele CA348082989.